The following is an entry in ClinVar:

ClinVar aggregate classification (germline): Uncertain significance. Review status: criteria provided, multiple submitters, no conflicts (2 of 4 stars). 2 submissions from 2 submitters: Uncertain significance (2). Last evaluated 2025-08-20.

Conditions:
Inborn genetic diseases. Identifiers: MedGen C0950123, MeSH D030342.
Hyperphosphatasia with impaired intellectual development syndrome 2. Also called: Hyperphosphatasia with intellectual disability syndrome 2; GLYCOSYLPHOSPHATIDYLINOSITOL BIOSYNTHESIS DEFECT 6. Identifiers: Orphanet 247262, MedGen C3553637, MONDO:0013882, OMIM 614749.

Allele frequency attached by ClinVar (database versions not stated): ExAC 0.00002; TOPMed 0.00002; ESP Exome Variant Server 0.00015; gnomAD 0.00003 and 0.00004; gnomAD exomes 0.00001.
gnomAD v4.1: 28 of 1,614,140 alleles (0.0017%); highest among the groups gnomAD compares: African/African-American, 0.0067%; no homozygotes.

Submissions (2):

Ambry Genetics
Classification: Uncertain significance for Inborn genetic diseases. Last evaluated: 2025-08-20. Review status: criteria provided, single submitter. Criteria: Ambry Variant Classification Scheme 2023. Collection method: clinical testing. Allele origin: germline.

Labcorp Genetics (formerly Invitae), Labcorp
Classification: Uncertain significance for Hyperphosphatasia with impaired intellectual development syndrome 2. Last evaluated: 2024-08-08. Review status: criteria provided, single submitter. Criteria: Invitae Variant Classification Sherloc (09022015). Collection method: clinical testing. Allele origin: germline.
Comment: This sequence change replaces arginine, which is basic and polar, with tryptophan, which is neutral and slightly polar, at codon 615 of the PIGO protein (p.Arg615Trp). This variant is present in population databases (rs375787674, gnomAD 0.01%). This variant has not been reported in the literature in individuals affected with PIGO-related conditions. ClinVar contains an entry for this variant (Variation ID: 967522). An algorithm developed to predict the effect of missense changes on protein structure and function (PolyPhen-2) suggests that this variant is likely to be disruptive. In summary, the available evidence is currently insufficient to determine the role of this variant in disease. Therefore, it has been classified as a Variant of Uncertain Significance.

NM_032634.4(PIGO):c.1843C>T (p.Arg615Trp)

Gene: PIGO (phosphatidylinositol glycan anchor biosynthesis class O; minus strand). Cytogenetic location: 9p13.3.
Variant type: single nucleotide variant.
Coding change: c.1843C>T on transcript NM_032634.4 (MANE Select); coding-DNA position 1843, C replaced by T.
Protein change: p.Arg615Trp; replaces arginine 615 with tryptophan.
Molecular consequence: missense variant. On other transcripts: intron variant (2).
Genome position (GRCh38, 1-based): chr9:35,092,044, G>A on the plus strand (C>T on the coding strand, the complement: PIGO is on the minus strand). VCF-style: chr9-35092044-G-A. GRCh37 (hg19) VCF-style: chr9-35092041-G-A.
Other names: c.1344+499C>T (NM_152850.4, NM_001201484.2); short protein forms R615W.
Identifiers: ClinVar variation 967522 (VCV000967522.10), dbSNP rs375787674, ClinGen allele CA5040550.
Genomic context (GRCh38, chr9:35,092,044, plus strand): 5'-CTAGCCTTGTACATAAAAGCAACCCAATTCCAAGCCTCAGGGCATATGCACCATTGTGCC[G>A]TGGGGGGTTTGTTGTGGCTGAAGTGCCAAGGCGGGGCATTGTGAGTAGCTTAGGTGGAAG-3'
Protein context (NP_116023.2, residues 605-625): LGTSATTNPP[Arg615Trp]HNGAYALRLG